The following is an entry in ClinVar:

NM_005609.4(PYGM):c.613G>A (p.Gly205Ser)

Gene: PYGM (glycogen phosphorylase, muscle associated; minus strand). Cytogenetic location: 11q13.1.
Variant type: single nucleotide variant.
Coding change: c.613G>A on transcript NM_005609.4 (MANE Select); coding-DNA position 613, G replaced by A.
Protein change: p.Gly205Ser; replaces glycine 205 with serine.
Molecular consequence: missense variant.
Genome position (GRCh38, 1-based): chr11:64,757,826, C>T on the plus strand (G>A on the coding strand, the complement: PYGM is on the minus strand). VCF-style: chr11-64757826-C-T. GRCh37 (hg19) VCF-style: chr11-64525298-C-T.
Other names: MA G204s; G204S; c.349G>A, p.Gly117Ser (NM_001164716.1); short protein forms G205S, G117S.
Identifiers: ClinVar variation 2299 (VCV000002299.41), dbSNP rs119103251, ClinGen allele CA339962.

ClinVar aggregate classification (germline): Pathogenic/Likely pathogenic. Review status: criteria provided, multiple submitters, no conflicts (2 of 4 stars). 21 submissions from 20 submitters: Pathogenic (17); Likely pathogenic (1). 3 of the submissions do not count toward it. Last evaluated 2026-08-04.

Conditions:
PYGM-related disorder. Also called: PYGM-related condition.
Skeletal muscle channelopathy.
Glycogen storage disease, type V (GSD5). Also called: MCARDLE DISEASE; MUSCLE GLYCOGEN PHOSPHORYLASE DEFICIENCY; MYOPHOSPHORYLASE DEFICIENCY; McArdle type glycogen storage disease; PYGM DEFICIENCY. Identifiers: Orphanet 368, MedGen C0017924, MONDO:0009293, OMIM 232600.
Tip-toe gait. Also called: Toe walking. Identifiers: MedGen C0427144, HP:0030051.
Retinal disorder. Also called: Retinopathies; Retinal Diseases; Retinal disorders; Retinopathy. Identifiers: MedGen C0035309, MONDO:0005283, HP:0000488.

Allele frequency attached by ClinVar (database versions not stated): ExAC 0.00012; gnomAD exomes 0.00012; 1000 Genomes Project 0.00020; TOPMed 0.00023; gnomAD 0.00027; 1000 Genomes Project 30x 0.00031.

Submissions 1 to 12 of 21:

Genetics Laboratory, Great Ormond Street Hospital NHS Foundation Trust, North Thames Genomic Laboratory Hub
Classification: Pathogenic for Retinal disorders. Last evaluated: 2026-08-04. Review status: criteria provided, single submitter. Criteria: ACGS Best Practice Guidelines for Variant Classification in Rare Disease 2024 v1.2. Collection method: clinical testing. Allele origin: germline. Affected: yes.
Comment: PS4_strong, PP3_supporting, PS3_supporting, PP4_strong

Genetics Laboratory, Great Ormond Street Hospital NHS Foundation Trust, North Thames Genomic Laboratory Hub
Classification: Pathogenic for Skeletal muscle channelopathy. Last evaluated: 2026-05-12. Review status: criteria provided, single submitter. Criteria: ACGS Best Practice Guidelines for Variant Classification in Rare Disease 2024 v1.2. Collection method: clinical testing. Allele origin: germline. Affected: yes.
Comment: the same text as in the submission from Genetics Laboratory, Great Ormond Street Hospital NHS Foundation Trust, North Thames Genomic Laboratory Hub above.

Labcorp Genetics (formerly Invitae), Labcorp
Classification: Pathogenic for Glycogen storage disease, type V. Last evaluated: 2026-01-22. Review status: criteria provided, single submitter. Criteria: Invitae Variant Classification Sherloc (09022015). Collection method: clinical testing. Allele origin: germline.
Comment: This sequence change replaces glycine, which is neutral and non-polar, with serine, which is neutral and polar, at codon 205 of the PYGM protein (p.Gly205Ser). This variant is present in population databases (rs119103251, gnomAD 0.02%). This missense change has been observed in individual(s) with McArdle disease (PMID: 8316268, 17221871, 17404776, 17630210, 19251976). In at least one individual the data is consistent with being in trans (on the opposite chromosome) from a pathogenic variant. This variant is also known as p.Gly204Ser. ClinVar contains an entry for this variant (Variation ID: 2299). Invitae Evidence Modeling of protein sequence and biophysical properties (such as structural, functional, and spatial information, amino acid conservation, physicochemical variation, residue mobility, and thermodynamic stability) indicates that this missense variant is expected to disrupt PYGM protein function with a positive predictive value of 95%. Experimental studies have shown that this missense change affects PYGM function (PMID: 22818872). For these reasons, this variant has been classified as Pathogenic.

Practice for Gait Abnormalities, David Pomarino, Competency Network Toe Walking C/o Practice Pomarino
Classification: Likely pathogenic for Tip-toe gait. Last evaluated: 2025-12-17. Review status: criteria provided, single submitter. Criteria: Pomarino et al. (J Musculoskelet Neuronal Interact. 2026). Collection method: clinical testing. Allele origin: germline. Affected: yes.

Natera, Inc.
Classification: Pathogenic for Glycogen storage disease V. Last evaluated: 2025-11-28. Review status: criteria provided, single submitter. Criteria: Natera Variant Classification Schema (03/2026). Collection method: clinical testing. Allele origin: germline.
Comment: The c.613G>A variant in PYGM is a missense variant predicted to cause substitution of glycine to serine at amino acid 205. This variant is rare in the general population with a frequency below the threshold expected for the associated phenotype(s). This variant has been observed in one or more individuals affected with the associated recessive disease, as either homozygous or compound heterozygous with a second variant (PMID: 34534370). Computational prediction algorithms indicate this variant is likely to affect gene or protein function. Given the available evidence, this variant is classified as Pathogenic.

Victorian Clinical Genetics Services, Murdoch Childrens Research Institute
Classification: Pathogenic for Glycogen storage disease, type V. Last evaluated: 2025-10-29. Review status: criteria provided, single submitter. Criteria: ACMG Guidelines, 2015. Collection method: clinical testing. Allele origin: germline. Affected: yes.
Comment: This variant is classified as Pathogenic. Evidence in support of pathogenic classification: Variant is present in gnomAD <0.01 (v4: 539 heterozygote(s), 4 homozygote(s)); This variant has strong previous evidence of pathogenicity in unrelated individuals. This variant has been classified as pathogenic by many clinical laboratories in ClinVar; Other missense variant(s) comparable to the one identified in this case have moderate previous evidence for pathogenicity. p.(Gly205Cys) has been classified as likely pathogenic by a clinical laboratory in ClinVar. Additionally, p.(Gly205Asp) has been classified as likely pathogenic and as a VUS by clinical laboratories in ClinVar; Missense variant predicted to be damaging by in silico tool(s) or highly conserved with a major amino acid change. Additional information: Variant is predicted to result in a missense amino acid change from Gly to Ser; This variant is heterozygous; This gene is associated with autosomal recessive disease. However, a single family has been reported for an autosomal dominant glycogen storage disorder (PMID: 32386344); Alternative amino acid change(s) at the same position are present in gnomAD (Highest allele count: v4: 22 heterozygote(s), 0 homozygote(s)); Variant is located in the annotated carbohydrate phosphorylase domain (DECIPHER); Loss of function is a known mechanism of disease in this gene and is associated with McArdle disease (MIM#232600); Variants in this gene are known to have variable expressivity. Some affected individuals have minimal symptoms with essentially no limitations in activities of daily living. This may be attributed to variable physical activity habits (PMID: 20301518); Inheritance information for this variant is not currently available in this individual.

Greenwood Genetic Center Diagnostic Laboratories, Greenwood Genetic Center
Classification: Pathogenic for Glycogen storage disease, type V. Last evaluated: 2025-10-28. Review status: criteria provided, single submitter. Criteria: ACMG Guidelines, 2015. Collection method: clinical testing. Allele origin: germline. Affected: yes.
Comment: PS3, PM3_Very Strong

Blueprint Genetics
Classification: Pathogenic for PYGM-related disorders. Last evaluated: 2024-11-18. Review status: criteria provided, single submitter. Criteria: ACMG Guidelines, 2015. Collection method: clinical testing. Allele origin: germline. Affected: yes. Observed: 5 variant alleles.

Revvity Omics, Revvity
Classification: Pathogenic for Glycogen storage disease, type V. Last evaluated: 2024-09-20. Review status: criteria provided, single submitter. Criteria: ACMG Guidelines, 2015. Collection method: clinical testing. Allele origin: germline.

Fulgent Genetics
Classification: Pathogenic for Glycogen storage disease, type V. Last evaluated: 2024-06-24. Review status: criteria provided, single submitter. Criteria: ACMG Guidelines, 2015. Collection method: clinical testing. Allele origin: germline.

Baylor Genetics
Classification: Pathogenic for Glycogen storage disease, type V. Last evaluated: 2024-03-21. Review status: criteria provided, single submitter. Criteria: ACMG Guidelines, 2015. Collection method: clinical testing. Allele origin: unknown.

3billion
Classification: Pathogenic for Glycogen storage disease, type V. Last evaluated: 2023-06-02. Review status: criteria provided, single submitter. Criteria: ACMG Guidelines, 2015. Collection method: clinical testing. Allele origin: germline. Affected: yes.
Comment: The variant is observed at an extremely low frequency in the gnomAD v2.1.1 dataset (total allele frequency: 0.013%). Predicted Consequence/Location: Protein truncation variants are a common disease-causing mechanism. In silico tool predictions suggest damaging effect of the variant on gene or gene product (REVEL: 0.99; 3Cnet: 0.07). Same nucleotide change resulting in same amino acid change has been previously reported as pathogenic/likely pathogenic with strong evidence (ClinVar ID: VCV000002299 /PMID: 8316268). The variant has been reported to be in trans with a pathogenic variant as either compound heterozygous or homozygous in at least 2 similarly affected unrelated individuals (PMID: 21802952, 8316268). Therefore, this variant is classified as Pathogenic according to the recommendation of ACMG/AMP guideline.